The following is an entry in ClinVar:

NM_001370259.2(MEN1):c.208G>C (p.Asp70His)

Gene: MEN1 (menin 1; minus strand). Cytogenetic location: 11q13.1.
Variant type: single nucleotide variant.
Coding change: c.208G>C on transcript NM_001370259.2 (MANE Select); coding-DNA position 208, G replaced by C.
Protein change: p.Asp70His; replaces aspartic acid 70 with histidine.
Molecular consequence: missense variant. On other transcripts: non-coding transcript variant (4).
Genome position (GRCh38, 1-based): chr11:64,809,902, C>G on the plus strand (G>C on the coding strand, the complement: MEN1 is on the minus strand). VCF-style: chr11-64809902-C-G. GRCh37 (hg19) VCF-style: chr11-64577374-C-G.
Other names: c.208G>C, p.Asp70His (NM_000244.4, NM_001370251.2, NM_001370260.2 and 20 more transcripts); short protein forms D70H.
Identifiers: ClinVar variation 4646405 (VCV004646405.1).

ClinVar aggregate classification (germline): Uncertain significance (1 of 4 stars; one submission).

Conditions:
Hereditary cancer-predisposing syndrome. Also called: Neoplastic Syndromes, Hereditary; Tumor predisposition; Hereditary Cancer Syndrome; Hereditary neoplastic syndrome. Identifiers: Orphanet 140162, MedGen C0027672, MeSH D009386, MONDO:0015356.

Submission:

Ambry Genetics
Classification: Uncertain significance for Hereditary cancer-predisposing syndrome. Last evaluated: 2025-10-30. Review status: criteria provided, single submitter. Criteria: Ambry Variant Classification Scheme 2023. Collection method: clinical testing. Allele origin: germline.
Comment: The p.D70H variant (also known as c.208G>C), located in coding exon 1 of the MEN1 gene, results from a G to C substitution at nucleotide position 208. The aspartic acid at codon 70 is replaced by histidine, an amino acid with similar properties. This amino acid position is conserved. In addition, the in silico prediction for this alteration is inconclusive. Based on the available evidence, the clinical significance of this variant remains unclear.